The following is an entry in ClinVar:

ClinVar aggregate classification (germline): Likely benign. Review status: criteria provided, multiple submitters, no conflicts (2 of 4 stars). 2 submissions from 2 submitters: Likely benign (2). Last evaluated 2025-08-17.

Conditions:
KIF11-related disorder. Also called: KIF11-related condition.

Allele frequency attached by ClinVar (database versions not stated): gnomAD exomes below 0.00001; gnomAD 0.00002; TOPMed 0.00002; ESP Exome Variant Server 0.00008.
gnomAD v4.1: 20 of 1,613,668 alleles (0.0012%); highest among the groups gnomAD compares: Non-Finnish European, 0.0016%; no homozygotes.

Submissions (2):

PreventionGenetics, part of Exact Sciences
Classification: Likely benign for KIF11-related condition. Last evaluated: 2025-08-17. Review status: criteria provided, single submitter. Criteria: ACMG Guidelines, 2015. Collection method: clinical testing. Allele origin: germline.
Comment: This variant is classified as likely benign based on ACMG/AMP sequence variant interpretation guidelines (Richards et al. 2015 PMID: 25741868, with internal and published modifications).

Labcorp Genetics (formerly Invitae), Labcorp
Classification: Likely benign. Last evaluated: 2023-12-13. Review status: criteria provided, single submitter. Criteria: Invitae Variant Classification Sherloc (09022015). Collection method: clinical testing. Allele origin: germline.

NM_004523.4(KIF11):c.1566A>T (p.Ala522=)

Gene: KIF11 (kinesin family member 11; plus strand). Cytogenetic location: 10q23.33.
Variant type: single nucleotide variant.
Coding change: c.1566A>T on transcript NM_004523.4 (MANE Select); coding-DNA position 1566, A replaced by T.
Protein change: p.Ala522=; no amino-acid change (alanine 522 retained).
Molecular consequence: synonymous variant.
Genome position (GRCh38, 1-based): chr10:92,632,557, A>T. VCF-style: chr10-92632557-A-T. GRCh37 (hg19) VCF-style: chr10-94392314-A-T.
Other names: c.1566A>T (NM_004523.3).
Identifiers: ClinVar variation 1565688 (VCV001565688.9), dbSNP rs147148368, ClinGen allele CA211511649.